The following is an entry in ClinVar:

ClinVar aggregate classification (germline): Uncertain significance. Review status: criteria provided, multiple submitters, no conflicts (2 of 4 stars). 2 submissions from 2 submitters: Uncertain significance (2). Last evaluated 2024-08-16.

Conditions:
Haddad syndrome (OHD). Also called: Ondine-Hirschsprung disease. Identifiers: Orphanet 99803, MedGen C1859049, MONDO:0020493.

Submissions (2):

GeneDx
Classification: Uncertain significance. Last evaluated: 2024-08-16. Review status: criteria provided, single submitter. Criteria: GeneDx Variant Classification Process June 2021. Collection method: clinical testing. Allele origin: germline. Affected: yes.
Comment: Not observed at significant frequency in large population cohorts (gnomAD); In silico analysis indicates that this missense variant does not alter protein structure/function; Has not been previously published as pathogenic or benign to our knowledge

Labcorp Genetics (formerly Invitae), Labcorp
Classification: Uncertain significance for Haddad syndrome. Last evaluated: 2020-09-11. Review status: criteria provided, single submitter. Criteria: Invitae Variant Classification Sherloc (09022015). Collection method: clinical testing. Allele origin: germline.
Comment: This variant has not been reported in the literature in individuals with PHOX2B-related disease. This variant is not present in population databases (ExAC no frequency). This sequence change replaces glycine with arginine at codon 270 of the PHOX2B protein (p.Gly270Arg). The glycine residue is moderately conserved and there is a moderate physicochemical difference between glycine and arginine. In summary, the available evidence is currently insufficient to determine the role of this variant in disease. Therefore, it has been classified as a Variant of Uncertain Significance. Algorithms developed to predict the effect of sequence changes on RNA splicing suggest that this variant may create or strengthen a splice site, but this prediction has not been confirmed by published transcriptional studies.

NM_003924.4(PHOX2B):c.808G>A (p.Gly270Arg)

Gene: PHOX2B (paired like homeobox 2B; minus strand). Cytogenetic location: 4p13.
Variant type: single nucleotide variant.
Coding change: c.808G>A on transcript NM_003924.4 (MANE Select); coding-DNA position 808, G replaced by A.
Protein change: p.Gly270Arg; replaces glycine 270 with arginine.
Molecular consequence: missense variant.
Genome position (GRCh38, 1-based): chr4:41,745,944, C>T on the plus strand (G>A on the coding strand, the complement: PHOX2B is on the minus strand). VCF-style: chr4-41745944-C-T. GRCh37 (hg19) VCF-style: chr4-41747961-C-T.
Other names: short protein forms G270R.
Identifiers: ClinVar variation 535772 (VCV000535772.10), dbSNP rs1553897753, ClinGen allele CA356737104.